The following is an entry in ClinVar:

ClinVar aggregate classification (germline): Benign/Likely benign. Review status: criteria provided, multiple submitters, no conflicts (2 of 4 stars). 11 submissions from 10 submitters: Benign (3); Likely benign (7). 1 of the submissions does not count toward it. Last evaluated 2025-12-03.

Conditions:
ATR-related disorder. Also called: ATR-related condition.
Inborn genetic diseases. Identifiers: MedGen C0950123, MeSH D030342.
Familial cutaneous telangiectasia and oropharyngeal predisposition cancer syndrome. Identifiers: Orphanet 313846, MedGen C3281203, MONDO:0013806, OMIM 614564.
Seckel syndrome 1 (SCKL1). Also called: MICROCEPHALIC PRIMORDIAL DWARFISM I. Identifiers: Orphanet 808, MedGen C4551474, MONDO:0008869, OMIM 210600.

Allele frequency attached by ClinVar (database versions not stated): gnomAD exomes 0.00022; ExAC 0.00029; 1000 Genomes Project 0.00040; 1000 Genomes Project 30x 0.00047; gnomAD 0.00091 and 0.00101; TOPMed 0.00112; ESP Exome Variant Server 0.00131.
gnomAD v4.1: 286 of 1,613,880 alleles (0.018%); highest among the groups gnomAD compares: African/African-American, 0.35%; no homozygotes.

Submissions (11):

Labcorp Genetics (formerly Invitae), Labcorp
Classification: Benign. Last evaluated: 2025-12-03. Review status: criteria provided, single submitter. Criteria: Invitae Variant Classification Sherloc (09022015). Collection method: clinical testing. Allele origin: germline.

CeGaT Center for Human Genetics Tuebingen
Classification: Likely benign. Last evaluated: 2025-04-01. Review status: criteria provided, single submitter. Criteria: CeGaT Center For Human Genetics Tuebingen Variant Classification Criteria Version 2. Collection method: clinical testing. Allele origin: germline. Affected: yes. Observed: 2 variant alleles.
Comment: ATR: BP4, BP7

Blueprint Genetics
Classification: Likely benign. Last evaluated: 2024-06-24. Review status: criteria provided, single submitter. Criteria: ACMG Guidelines, 2015. Collection method: clinical testing. Allele origin: germline.

KCCC/NGS Laboratory, Kuwait Cancer Control Center
Classification: Likely benign for Familial cutaneous telangiectasia and oropharyngeal predisposition cancer syndrome. Last evaluated: 2023-07-07. Review status: criteria provided, single submitter. Criteria: ACMG Guidelines, 2015. Collection method: clinical testing. Allele origin: germline. Affected: yes.

Genome-Nilou Lab
Classification: Benign for Seckel syndrome 1. Last evaluated: 2023-02-08. Review status: criteria provided, single submitter. Criteria: ACMG Guidelines, 2015. Collection method: clinical testing. Allele origin: germline.

Genome-Nilou Lab
Classification: Benign for Familial cutaneous telangiectasia and oropharyngeal predisposition cancer syndrome. Last evaluated: 2023-02-08. Review status: criteria provided, single submitter. Criteria: ACMG Guidelines, 2015. Collection method: clinical testing. Allele origin: germline.

Ambry Genetics
Classification: Likely benign for Inborn genetic diseases. Last evaluated: 2022-02-12. Review status: criteria provided, single submitter. Criteria: Ambry Variant Classification Scheme 2023. Collection method: clinical testing. Allele origin: germline.

GeneDx
Classification: Likely benign. Last evaluated: 2017-06-08. Review status: criteria provided, single submitter. Criteria: GeneDx Variant Classification (06012015). Collection method: clinical testing. Allele origin: germline. Affected: yes.
Comment: This variant is considered likely benign or benign based on one or more of the following criteria: it is a conservative change, it occurs at a poorly conserved position in the protein, it is predicted to be benign by multiple in silico algorithms, and/or has population frequency not consistent with disease.

Genetic Services Laboratory, University of Chicago
Classification: Likely benign. Last evaluated: 2013-12-11. Review status: criteria provided, single submitter. Criteria: ACMG Guidelines, 2007. Collection method: clinical testing. Allele origin: germline. Inheritance: Autosomal recessive inheritance.
Comment: Likely benign based on allele frequency in 1000 Genomes Project or ESP global frequency and its presence in a patient with a rare or unrelated disease phenotype. NOT Sanger confirmed

Breakthrough Genomics
Classification: Likely benign. Review status: criteria provided, single submitter. Criteria: ACMG Guidelines, 2015. Collection method: not provided. Allele origin: germline. Inheritance: Autosomal recessive inheritance. Affected: yes.

PreventionGenetics, part of Exact Sciences
Classification: Likely benign for ATR-related condition. Last evaluated: 2019-08-28. Review status: no assertion criteria provided. Collection method: clinical testing. Allele origin: germline. Not counted in ClinVar's aggregate classification.
Comment: This variant is classified as likely benign based on ACMG/AMP sequence variant interpretation guidelines (Richards et al. 2015 PMID: 25741868, with internal and published modifications).

NM_001184.4(ATR):c.4200A>T (p.Leu1400=)

Gene: ATR (ATR checkpoint kinase; minus strand). Cytogenetic location: 3q23.
Variant type: single nucleotide variant.
Coding change: c.4200A>T on transcript NM_001184.4 (MANE Select); coding-DNA position 4200, A replaced by T.
Protein change: p.Leu1400=; no amino-acid change (leucine 1400 retained).
Molecular consequence: synonymous variant.
Genome position (GRCh38, 1-based): chr3:142,522,794, T>A on the plus strand (A>T on the coding strand, the complement: ATR is on the minus strand). VCF-style: chr3-142522794-T-A. GRCh37 (hg19) VCF-style: chr3-142241636-T-A.
Other names: c.4008A>T, p.Leu1336= (NM_001354579.2).
Identifiers: ClinVar variation 157982 (VCV000157982.35), dbSNP rs150562945, ClinGen allele CA171360.